The following is an entry in ClinVar:

ClinVar aggregate classification (germline): Likely pathogenic (1 of 4 stars; one submission).

Submission:

Labcorp Genetics (formerly Invitae), Labcorp
Classification: Likely pathogenic. Last evaluated: 2021-12-07. Review status: criteria provided, single submitter. Criteria: Invitae Variant Classification Sherloc (09022015). Collection method: clinical testing. Allele origin: germline.
Comment: This sequence change affects a donor splice site in intron 15 of the STAG1 gene. It is expected to disrupt RNA splicing. Variants that disrupt the donor or acceptor splice site typically lead to a loss of protein function (PMID: 16199547), and loss-of-function variants in STAG1 are known to be pathogenic (PMID: 28119487). This variant is not present in population databases (gnomAD no frequency). This variant has not been reported in the literature in individuals affected with STAG1-related conditions. Algorithms developed to predict the effect of sequence changes on RNA splicing suggest that this variant may disrupt the consensus splice site. In summary, the currently available evidence indicates that the variant is pathogenic, but additional data are needed to prove that conclusively. Therefore, this variant has been classified as Likely Pathogenic.

Literature cited by the submitters: PubMed 16199547; PubMed 28119487.

NM_005862.3(STAG1):c.1546+1G>T

Gene: STAG1 (STAG1 cohesin complex component; minus strand). Cytogenetic location: 3q22.3.
Variant type: single nucleotide variant.
Coding change: c.1546+1G>T on transcript NM_005862.3 (MANE Select); the canonical splice donor site of the intron after coding-DNA position 1546, G replaced by T.
Molecular consequence: splice donor variant.
Genome position (GRCh38, 1-based): chr3:136,443,286, C>A on the plus strand (G>T on the coding strand, the complement: STAG1 is on the minus strand). VCF-style: chr3-136443286-C-A. GRCh37 (hg19) VCF-style: chr3-136162128-C-A.
Identifiers: ClinVar variation 2036530 (VCV002036530.4), dbSNP rs2530508103, ClinGen allele CA354647667.
Genomic context (GRCh38, chr3:136,443,286, plus strand): 5'-AACTGTATTGCTATCAATGGAAATACAAAATCATGTAAATTAACTTGTCAAAATACTATA[C>A]CTTCCTCTCCTTGAACAGGTTCTTCTAATAGCAACTCTGTCATACATTCCCAGTCTTTCA-3'